The following is an entry in ClinVar:

NM_004958.4(MTOR):c.2296dup (p.Arg766fs)

Gene: MTOR (mechanistic target of rapamycin kinase; minus strand). Cytogenetic location: 1p36.22.
Variant type: Duplication.
Coding change: c.2296dup on transcript NM_004958.4 (MANE Select); coding-DNA position 2296, one base duplicated (C; older notation c.2296dupC).
Protein change: p.Arg766fs; shifts the reading frame from arginine 766.
Molecular consequence: frameshift variant.
Genome position (GRCh38, 1-based): chr1:11,234,178, G duplicated on the plus strand (C on the coding strand, the reverse complement: MTOR is on the minus strand); the first of 6 consecutive G bases (chr1:11,234,178-11,234,183); duplicating any one gives the same sequence. VCF-style (leftmost placement, unchanged base first): chr1-11234177-C-CG. GRCh37 (hg19) VCF-style: chr1-11294234-C-CG.
Other names: c.2296dup, p.Arg766fs (NM_001386500.1); c.1048dup, p.Arg350fs (NM_001386501.1); c.2296dupC (NM_004958.3); short protein forms R350fs, R766fs.
Identifiers: ClinVar variation 2286540 (VCV002286540.2), dbSNP rs746242022, ClinGen allele CA590534.

ClinVar aggregate classification (germline): Uncertain significance (1 of 4 stars; one submission).

Conditions:
Inborn genetic diseases. Identifiers: MedGen C0950123, MeSH D030342.

Submission:

Ambry Genetics
Classification: Uncertain significance for Inborn genetic diseases. Last evaluated: 2022-05-10. Review status: criteria provided, single submitter. Criteria: Ambry Variant Classification Scheme 2023. Collection method: clinical testing. Allele origin: germline.
Comment: Loss of function has not been established as a mechanism of disease Based on insufficient or conflicting evidence, the clinical significance of this alteration remains unclear.